The following is an entry in ClinVar:

ClinVar aggregate classification (germline): Uncertain significance (1 of 4 stars; one submission).

Allele frequency attached by ClinVar (database versions not stated): gnomAD 0.00001; gnomAD exomes 0.00001; TOPMed 0.00001; ExAC 0.00002; 1000 Genomes Project 30x 0.00016; 1000 Genomes Project 0.00020.
gnomAD v4.1: 17 of 1,613,096 alleles (0.0011%); highest among the groups gnomAD compares: Admixed American, 0.0017%; no homozygotes.

Submission:

Labcorp Genetics (formerly Invitae), Labcorp
Classification: Uncertain significance. Last evaluated: 2024-12-02. Review status: criteria provided, single submitter. Criteria: Invitae Variant Classification Sherloc (09022015). Collection method: clinical testing. Allele origin: germline.
Comment: This sequence change replaces leucine, which is neutral and non-polar, with phenylalanine, which is neutral and non-polar, at codon 733 of the FBN3 protein (p.Leu733Phe). This variant is present in population databases (rs151230454, gnomAD 0.006%). This variant has not been reported in the literature in individuals affected with FBN3-related conditions. ClinVar contains an entry for this variant (Variation ID: 2964463). Invitae Evidence Modeling of protein sequence and biophysical properties (such as structural, functional, and spatial information, amino acid conservation, physicochemical variation, residue mobility, and thermodynamic stability) has been performed for this missense variant. However, the output from this modeling did not meet the statistical confidence thresholds required to predict the impact of this variant on FBN3 protein function. In summary, the available evidence is currently insufficient to determine the role of this variant in disease. Therefore, it has been classified as a Variant of Uncertain Significance.

NM_032447.5(FBN3):c.2197C>T (p.Leu733Phe)

Gene: FBN3 (fibrillin 3; minus strand). Cytogenetic location: 19p13.2.
Variant type: single nucleotide variant.
Coding change: c.2197C>T on transcript NM_032447.5 (MANE Select); coding-DNA position 2197, C replaced by T.
Protein change: p.Leu733Phe; replaces leucine 733 with phenylalanine.
Molecular consequence: missense variant.
Genome position (GRCh38, 1-based): chr19:8,129,127, G>A on the plus strand (C>T on the coding strand, the complement: FBN3 is on the minus strand). VCF-style: chr19-8129127-G-A. GRCh37 (hg19) VCF-style: chr19-8194011-G-A.
Other names: c.2197C>T, p.Leu733Phe (NM_001321431.2); short protein forms L733F.
Identifiers: ClinVar variation 2964463 (VCV002964463.3), dbSNP rs151230454, ClinGen allele CA9152988.